The following is an entry in ClinVar:

ClinVar aggregate classification (germline): Uncertain significance. Review status: criteria provided, multiple submitters, no conflicts (2 of 4 stars). 7 submissions from 6 submitters: Uncertain significance (6). 1 of the submissions does not count toward it. Last evaluated 2025-05-07.

Conditions:
NOTCH1-related disorder. Also called: NOTCH1-related condition; NOTCH1-related disorders.
Aortic valve disease 1 (AOVD1). Identifiers: MedGen C3887892, MONDO:0024523, OMIM 109730.
Adams-Oliver syndrome 5 (AOS5). Identifiers: Orphanet 974, MedGen C4014970, MONDO:0014459, OMIM 616028.

Allele frequency attached by ClinVar (database versions not stated): ExAC 0.00001; gnomAD exomes 0.00001 and 0.00004; TOPMed 0.00002.
gnomAD v4.1: 53 of 1,612,982 alleles (0.0033%); highest among the groups gnomAD compares: Non-Finnish European, 0.0043%; no homozygotes.

Submissions (7):

Labcorp Genetics (formerly Invitae), Labcorp
Classification: Uncertain significance for Adams-Oliver syndrome 5. Last evaluated: 2025-05-07. Review status: criteria provided, single submitter. Criteria: Invitae Variant Classification Sherloc (09022015). Collection method: clinical testing. Allele origin: germline.
Comment: This sequence change replaces valine, which is neutral and non-polar, with methionine, which is neutral and non-polar, at codon 276 of the NOTCH1 protein (p.Val276Met). This variant is present in population databases (rs369721921, gnomAD 0.003%). This variant has not been reported in the literature in individuals affected with NOTCH1-related conditions. ClinVar contains an entry for this variant (Variation ID: 134960). An algorithm developed to predict the effect of missense changes on protein structure and function (PolyPhen-2) suggests that this variant is likely to be disruptive. In summary, the available evidence is currently insufficient to determine the role of this variant in disease. Therefore, it has been classified as a Variant of Uncertain Significance.

GeneDx
Classification: Uncertain significance. Last evaluated: 2023-03-15. Review status: criteria provided, single submitter. Criteria: GeneDx Variant Classification Process June 2021. Collection method: clinical testing. Allele origin: germline. Affected: yes.
Comment: Has not been previously published in association with connective tissue disorders as pathogenic or benign to our knowledge; Not observed at a significant frequency in large population cohorts (gnomAD); In silico analysis supports that this missense variant does not alter protein structure/function; This variant is associated with the following publications: (PMID: 24728327)

PreventionGenetics, part of Exact Sciences
Classification: Uncertain significance for NOTCH1-related condition. Last evaluated: 2022-10-01. Review status: criteria provided, single submitter. Criteria: ACMG Guidelines, 2015. Collection method: clinical testing. Allele origin: germline.
Comment: The NOTCH1 c.826G>A variant is predicted to result in the amino acid substitution p.Val276Met. To our knowledge, this variant has not been reported in the literature. This variant is reported in 0.0027% of alleles in individuals of European (Non-Finnish) descent in gnomAD. At this time, the clinical significance of this variant is uncertain due to the absence of conclusive functional and genetic evidence.

Genome-Nilou Lab
Classification: Uncertain significance for Adams-Oliver syndrome 5. Last evaluated: 2022-03-15. Review status: criteria provided, single submitter. Criteria: ACMG Guidelines, 2015. Collection method: clinical testing. Allele origin: germline. Affected: no.

Genome-Nilou Lab
Classification: Uncertain significance for Aortic valve disease 1. Last evaluated: 2022-03-15. Review status: criteria provided, single submitter. Criteria: ACMG Guidelines, 2015. Collection method: clinical testing. Allele origin: germline. Affected: no.

Fulgent Genetics
Classification: Uncertain significance for Aortic valve disease 1; Adams-Oliver syndrome 5. Last evaluated: 2022-01-12. Review status: criteria provided, single submitter. Criteria: ACMG Guidelines, 2015. Collection method: clinical testing. Allele origin: unknown.

ITMI
No classification provided. Condition: AllHighlyPenetrant. Last evaluated: 2013-09-19. Review status: no classification provided. Collection method: reference population. Allele origin: germline. Not counted in ClinVar's aggregate classification.
Comment: Please see associated publication for description of ethnicities

Literature cited by the submitters: PubMed 24728327 (cited by ITMI).

NM_017617.5(NOTCH1):c.826G>A (p.Val276Met)

Gene: NOTCH1 (notch receptor 1; minus strand). Cytogenetic location: 9q34.3.
Variant type: single nucleotide variant.
Coding change: c.826G>A on transcript NM_017617.5 (MANE Select); coding-DNA position 826, G replaced by A.
Protein change: p.Val276Met; replaces valine 276 with methionine.
Molecular consequence: missense variant.
Genome position (GRCh38, 1-based): chr9:136,519,482, C>T on the plus strand (G>A on the coding strand, the complement: NOTCH1 is on the minus strand). VCF-style: chr9-136519482-C-T. GRCh37 (hg19) VCF-style: chr9-139413934-C-T.
Other names: c.826G>A, p.Val276Met (LRG_1122t1); c.826G>A (NM_017617.4); short protein forms V276M.
Identifiers: ClinVar variation 134960 (VCV000134960.16), dbSNP rs369721921, ClinGen allele CA161247.